The following is an entry in ClinVar:

ClinVar aggregate classification (germline): Uncertain significance (1 of 4 stars; one submission).

Conditions:
Myofibrillar myopathy 4. Also called: Zaspopathy (type). Identifiers: Orphanet 98912, MedGen C4721886, MONDO:0012277, OMIM 609452.

Allele frequency attached by ClinVar (database versions not stated): gnomAD exomes below 0.00001.
gnomAD v4.1: 2 of 1,614,192 alleles (0.00012%); highest among the groups gnomAD compares: Non-Finnish European, 0.00017%; no homozygotes.

Submission:

Labcorp Genetics (formerly Invitae), Labcorp
Classification: Uncertain significance for Myofibrillar myopathy 4. Last evaluated: 2022-03-18. Review status: criteria provided, single submitter. Criteria: Invitae Variant Classification Sherloc (09022015). Collection method: clinical testing. Allele origin: germline.
Comment: The LDB3 gene has multiple clinically relevant transcripts. This variant occurs in alternate transcript NM_007078.3, and corresponds to NM_001080116.1:c.*19383C>A in the primary transcript. This sequence change replaces histidine, which is basic and polar, with asparagine, which is neutral and polar, at codon 630 of the LDB3 protein (p.His630Asn). This variant is not present in population databases (gnomAD no frequency). This variant has not been reported in the literature in individuals affected with LDB3-related conditions. Experimental studies and prediction algorithms are not available or were not evaluated, and the functional significance of this variant is currently unknown. In summary, the available evidence is currently insufficient to determine the role of this variant in disease. Therefore, it has been classified as a Variant of Uncertain Significance.

NM_007078.3(LDB3):c.1888C>A (p.His630Asn)

Gene: LDB3 (LIM domain binding 3; plus strand). Cytogenetic location: 10q23.2.
Variant type: single nucleotide variant.
Coding change: c.1888C>A on transcript NM_007078.3 (MANE Select); coding-DNA position 1888, C replaced by A.
Protein change: p.His630Asn; replaces histidine 630 with asparagine.
Molecular consequence: missense variant.
Genome position (GRCh38, 1-based): chr10:86,718,757, C>A. VCF-style: chr10-86718757-C-A. GRCh37 (hg19) VCF-style: chr10-88478514-C-A.
Other names: c.1558C>A, p.His520Asn (NM_001080114.2); c.1903C>A, p.His635Asn (NM_001171610.2); c.1699C>A, p.His567Asn (NM_001368064.1, NM_001368065.1); c.1747C>A, p.His583Asn (NM_001368066.1); short protein forms H635N, H567N, H630N, H520N, H583N.
Identifiers: ClinVar variation 1481774 (VCV001481774.6), dbSNP rs2132487146, ClinGen allele CA377453735.
Genomic context (GRCh38, chr10:86,718,757, plus strand): 5'-TCTGTCCTGAGCTTAGGCTCTTTCCCCCAGGAAGTAATGCATGCCTTGAGACAGACATGG[C>A]ACACCACCTGCTTCGTCTGTGCGGCCTGCAAGAAGCCTTTTGGGAACAGCCTCTTCCACA-3'
Protein context (NP_009009.1, residues 620-640): EVMHALRQTW[His630Asn]TTCFVCAACK